The following is an entry in ClinVar:

ClinVar aggregate classification (germline): Conflicting classifications of pathogenicity. Review status: criteria provided, conflicting classifications (1 of 4 stars). 10 submissions from 10 submitters: Likely pathogenic (1); Uncertain significance (9). Last evaluated 2026-07-08.

Conditions:
Cardiovascular phenotype. Identifiers: MedGen CN230736.
Cardiomyopathy (CMYO). Also called: Cardiomyopathies. Identifiers: Orphanet 167848, MedGen C0878544, MONDO:0004994, HP:0001638. Inheritance: Various modes of inheritance.
Dilated cardiomyopathy 1S (CMD1S). Identifiers: Orphanet 154, Orphanet 54260, MedGen C1834481, MONDO:0013262, OMIM 613426.
Hypertrophic cardiomyopathy. Also called: HYPERTROPHIC MYOCARDIOPATHY. Identifiers: Orphanet 217569, MedGen C0007194, MeSH D002312, MONDO:0005045, HP:0001639.

Allele frequency attached by ClinVar (database versions not stated): TOPMed 0.00001.
gnomAD v4.1: 51 of 1,614,104 alleles (0.0032%); highest among the groups gnomAD compares: Non-Finnish European, 0.0042%; no homozygotes.

Submissions (10):

Ambry Genetics
Classification: Uncertain significance for Cardiovascular phenotype. Last evaluated: 2026-07-08. Review status: criteria provided, single submitter. Criteria: Ambry Variant Classification Scheme 2023. Collection method: clinical testing. Allele origin: germline.
Comment: The p.R1921W variant (also known as c.5761C>T), located in coding exon 37 of the MYH7 gene, results from a C to T substitution at nucleotide position 5761. The arginine at codon 1921 is replaced by tryptophan, an amino acid with dissimilar properties. This variant was reported in individual(s) with features consistent with dilated cardiomyopathy (DCM) (Mazzarotto F et al. Circulation, 2020 Feb;141:387-398; Bagnall RD et al. Circ Genom Precis Med, 2022 Dec;15:e003686; Ambry internal data). This amino acid position is highly conserved in available vertebrate species. In addition, this alteration is predicted to be deleterious by in silico analysis. Based on the available evidence, the clinical significance of this variant remains unclear.

Victorian Clinical Genetics Services, Murdoch Childrens Research Institute
Classification: Uncertain significance for Dilated cardiomyopathy 1S. Last evaluated: 2026-05-18. Review status: criteria provided, single submitter. Criteria: ACMG Guidelines, 2015. Collection method: clinical testing. Allele origin: germline. Affected: yes.
Comment: This variant is classified as VUS-3B. Evidence in support of pathogenic classification: Variant is present in gnomAD <0.01 (v4: 51 heterozygote(s), 0 homozygote(s)); Missense variant predicted to be damaging by in silico tool(s) or highly conserved with a major amino acid change. Additional information: Variant is predicted to result in a missense amino acid change from Arg to Trp; This variant is heterozygous; This gene is associated with both recessive and dominant disease. Disease associated with this gene usually has autosomal dominant inheritance; however, a recessive inheritance pattern has been observed in severe cases (OMIM); Alternative amino acid change(s) at the same position are present in gnomAD (highest allele count: v4: 9 heterozygote(s), 0 homozygote(s)); Previous reports of pathogenicity for this variant are conflicting. This variant has been classified as a VUS and as likely pathogenic by clinical laboratories in ClinVar. This variant has also been reported in a cohort of DCM patients (PMID: 31983221); No published evidence of segregation with disease has been identified for this variant; No published functional evidence has been identified for this variant; Other missense variant(s) comparable to the one identified in this case have conflicting previous evidence for pathogenicity. p.(Arg1921Pro) and p.(Arg1921Gly) have been classified as a VUS by clinical laboratories in ClinVar. p.(Arg1921Gln) has been classified as a VUS and as pathogenic by clinical laboratories in ClinVar and has also been reported in a pediatric cardiomyopathy cohort (PMID: 32746448); Variant is located in the annotated myosin tail domain (DEIPHER). - The mechanism of disease for this gene is not clearly established; however, missense variants have been proposed to act in a dominant negative manner (PMID: 24714796); The condition associated with this gene has incomplete penetrance (PMID: 29300372); Inheritance information for this variant is not currently available in this individual.

Labcorp Genetics (formerly Invitae), Labcorp
Classification: Likely pathogenic for Hypertrophic cardiomyopathy. Last evaluated: 2025-11-06. Review status: criteria provided, single submitter. Criteria: Invitae Variant Classification Sherloc (09022015). Collection method: clinical testing. Allele origin: germline.
Comment: This sequence change replaces arginine, which is basic and polar, with tryptophan, which is neutral and slightly polar, at codon 1921 of the MYH7 protein (p.Arg1921Trp). This variant is present in population databases (rs539290591, gnomAD 0.002%). This missense change has been observed in individual(s) with dilated cardiomyopathy (PMID: 31983221, 36252119, 37652022; internal data). ClinVar contains an entry for this variant (Variation ID: 181291). Invitae Evidence Modeling of protein sequence and biophysical properties (such as structural, functional, and spatial information, amino acid conservation, physicochemical variation, residue mobility, and thermodynamic stability) indicates that this missense variant is expected to disrupt MYH7 protein function with a positive predictive value of 95%. This variant disrupts the p.Arg1921 amino acid residue in MYH7. Other variant(s) that disrupt this residue have been determined to be pathogenic (PMID: 32746448; internal data). This suggests that this residue is clinically significant, and that variants that disrupt this residue are likely to be disease-causing. In summary, the currently available evidence indicates that the variant is pathogenic, but additional data are needed to prove that conclusively. Therefore, this variant has been classified as Likely Pathogenic.

Molecular Diagnostic Laboratory for Inherited Cardiovascular Disease, Montreal Heart Institute
Classification: Uncertain significance for Cardiovascular phenotype. Last evaluated: 2025-04-09. Review status: criteria provided, single submitter. Criteria: ACMG Guidelines, 2015. Collection method: clinical testing. Allele origin: germline. Affected: yes.

All of Us Research Program, National Institutes of Health
Classification: Uncertain significance for Cardiomyopathy. Last evaluated: 2023-12-13. Review status: criteria provided, single submitter. Criteria: ACMG Guidelines, 2015. Collection method: clinical testing. Allele origin: germline. Inheritance: Autosomal dominant inheritance. Observed: 4 variant alleles, 4 heterozygotes.
Comment: This missense variant replaces arginine with tryptophan at codon 1921 of the MYH7 protein. Computational prediction suggests that this variant may have deleterious impact on protein structure and function (internally defined REVEL score threshold >= 0.7, PMID: 27666373). To our knowledge, functional studies have not been reported for this variant. This variant has been reported in one individual affected with dilated cardiomyopathy (PMID: 31983221). This variant has been identified in 2/251376 chromosomes in the general population by the Genome Aggregation Database (gnomAD). The available evidence is insufficient to determine the role of this variant in disease conclusively. Therefore, this variant is classified as a Variant of Uncertain Significance.

This study involves interpretation of variants in research participants for the purpose of population health screening. Participant phenotype was not available at the time of variant classification. Additional details can be found in publication PMID: 35346344, PMCID: PMC8962531

Color Diagnostics, LLC DBA Color Health
Classification: Uncertain significance for Cardiomyopathy. Last evaluated: 2023-11-08. Review status: criteria provided, single submitter. Criteria: ACMG Guidelines, 2015. Collection method: clinical testing. Allele origin: germline.
Comment: This missense variant replaces arginine with tryptophan at codon 1921 of the MYH7 protein. Computational prediction suggests that this variant may have deleterious impact on protein structure and function (internally defined REVEL score threshold >= 0.7, PMID: 27666373). To our knowledge, functional studies have not been reported for this variant. This variant has been reported in one individual affected with dilated cardiomyopathy (PMID: 31983221). This variant has been identified in 2/251376 chromosomes in the general population by the Genome Aggregation Database (gnomAD). The available evidence is insufficient to determine the role of this variant in disease conclusively. Therefore, this variant is classified as a Variant of Uncertain Significance.

Blueprint Genetics
Classification: Uncertain significance. Last evaluated: 2023-05-24. Review status: criteria provided, single submitter. Criteria: ACMG Guidelines, 2015. Collection method: clinical testing. Allele origin: germline.

AiLife Diagnostics
Classification: Uncertain significance. Last evaluated: 2021-09-11. Review status: criteria provided, single submitter. Criteria: ACMG Guidelines, 2015. Collection method: clinical testing. Allele origin: germline. Affected: yes. Observed: 1 variant allele.

Revvity Omics, Revvity
Classification: Uncertain significance. Last evaluated: 2020-03-16. Review status: criteria provided, single submitter. Criteria: ACMG Guidelines, 2015. Collection method: clinical testing. Allele origin: germline.

GeneDx
Classification: Uncertain significance. Last evaluated: 2016-11-08. Review status: criteria provided, single submitter. Criteria: GeneDx Variant Classification (06012015). Collection method: clinical testing. Allele origin: germline. Affected: yes.
Comment: p.Arg1921Trp (CGG>TGG): c.5761 C>T in exon 39 of the MYH7 gene (NM_000257.2). The R1921W variant in the MYH7 gene has not been reported as a pathogenic variant or as a benign polymorphism to our knowledge. The R1921W variant is a non-conservative amino acid substitution as these residues differ in polarity, charge, size and/or other properties and is more likely to impact secondary structure. The R1921 residue is conserved across species. In silico analysis predicts R1921W is damaging the protein structure/function. Mutations in nearby residues (E1914K, R1925G, I1927F, T1929M) have been reported in association with cardiomyopathy, further supporting the functional importance of this region of the protein. Furthermore, the R1921W variant was not observed in approximately 6,500 individuals of European and African American ancestry in the NHLBI Exome Sequencing Project, indicating it is not a common benign variant in these populations. In summary, while R1921W is a good candidate for a pathogenic variant, with the clinical and molecular information available at this time we cannot unequivocally determine the clinical significance of this variant.

Literature cited by the submitters: PubMed 31983221 (cited by 6 submitters); PubMed 36252119 (cited by Ambry Genetics and Labcorp Genetics (formerly Invitae), Labcorp); PubMed 32746448 (cited by Victorian Clinical Genetics Services, Murdoch Childrens Research Institute and Labcorp Genetics (formerly Invitae), Labcorp); PubMed 24714796 (cited by Victorian Clinical Genetics Services, Murdoch Childrens Research Institute); PubMed 29300372 (cited by Victorian Clinical Genetics Services, Murdoch Childrens Research Institute); PubMed 37652022 (cited by Labcorp Genetics (formerly Invitae), Labcorp).

NM_000257.4(MYH7):c.5761C>T (p.Arg1921Trp)

Gene: MYH7 (myosin heavy chain 7; minus strand). Cytogenetic location: 14q11.2.
Variant type: single nucleotide variant.
Coding change: c.5761C>T on transcript NM_000257.4 (MANE Select); coding-DNA position 5761, C replaced by T.
Protein change: p.Arg1921Trp; replaces arginine 1921 with tryptophan.
Molecular consequence: missense variant.
Genome position (GRCh38, 1-based): chr14:23,413,788, G>A on the plus strand (C>T on the coding strand, the complement: MYH7 is on the minus strand). VCF-style: chr14-23413788-G-A. GRCh37 (hg19) VCF-style: chr14-23882997-G-A.
Other names: p.R1921W:CGG>TGG; c.5761C>T (LRG_384t1); short protein forms R1921W.
Identifiers: ClinVar variation 181291 (VCV000181291.25), dbSNP rs539290591, ClinGen allele CA016457.
Genomic context (GRCh38, chr14:23,413,788, plus strand): 5'-GTGACTAGCAAAGCCCAAAAGAGGGACCCACCTTCGTGCCAATGTCACGGCTCTTGGCCC[G>A]CAGCTTGTTGACCTGGGACTCGGCGATGTCCGCCCGCTCCTCTGCCTCATCCAGCTCGTG-3'
Protein context (NP_000248.2, residues 1911-1931): DIAESQVNKL[Arg1921Trp]AKSRDIGTKG